The following is an entry in ClinVar:

NM_181507.2(HPS5):c.3317A>C (p.Glu1106Ala)

Gene: HPS5 (HPS5 biogenesis of lysosomal organelles complex 2 subunit 2; minus strand). Cytogenetic location: 11p15.1.
Variant type: single nucleotide variant.
Coding change: c.3317A>C on transcript NM_181507.2 (MANE Select); coding-DNA position 3317, A replaced by C.
Protein change: p.Glu1106Ala; replaces glutamic acid 1106 with alanine.
Molecular consequence: missense variant.
Genome position (GRCh38, 1-based): chr11:18,281,962, T>G on the plus strand (A>C on the coding strand, the complement: HPS5 is on the minus strand). VCF-style: chr11-18281962-T-G. GRCh37 (hg19) VCF-style: chr11-18303509-T-G.
Other names: p.Glu1106Ala; c.2975A>C, p.Glu992Ala (NM_007216.4, NM_181508.2); short protein forms E992A, E1106A.
Identifiers: ClinVar variation 1405841 (VCV001405841.10), dbSNP rs778777981, ClinGen allele CA5909603.
Genomic context (GRCh38, chr11:18,281,962, plus strand): 5'-TCTACCTTCTCCAAGCACTATGCAGAGGGTAGGACAAACTGATATTACCTCTGCCTTTTC[T>G]CAGCAATCCTCAGGATATCGCAGGTTCTGGTAAACTTCTCTGACAACTCAAGGGCCAGAC-3'
Protein context (NP_852608.1, residues 1096-1116): TRTCDILRIA[Glu1106Ala]KRQRALIQSM

ClinVar aggregate classification (germline): Uncertain significance. Review status: criteria provided, multiple submitters, no conflicts (2 of 4 stars). 3 submissions from 3 submitters: Uncertain significance (3). Last evaluated 2024-04-30.

Conditions:
Inborn genetic diseases. Identifiers: MedGen C0950123, MeSH D030342.

Allele frequency attached by ClinVar (database versions not stated): TOPMed below 0.00001; gnomAD 0.00001; gnomAD exomes 0.00002 and 0.00003; ExAC 0.00004.
gnomAD v4.1: 28 of 1,614,102 alleles (0.0017%); highest among the groups gnomAD compares: Non-Finnish European, 0.0022%; no homozygotes.

Submissions (3):

Mayo Clinic Laboratories, Mayo Clinic
Classification: Uncertain significance. Last evaluated: 2024-04-30. Review status: criteria provided, single submitter. Criteria: ACMG Guidelines, 2015. Collection method: clinical testing. Allele origin: germline. Observed: 1 variant allele.
Comment: BP4, PM1_supporting, PM2_moderate

Ambry Genetics
Classification: Uncertain significance for Inborn genetic diseases. Last evaluated: 2022-04-12. Review status: criteria provided, single submitter. Criteria: Ambry Variant Classification Scheme 2023. Collection method: clinical testing. Allele origin: germline.

Labcorp Genetics (formerly Invitae), Labcorp
Classification: Uncertain significance. Last evaluated: 2022-03-15. Review status: criteria provided, single submitter. Criteria: Invitae Variant Classification Sherloc (09022015). Collection method: clinical testing. Allele origin: germline.
Comment: This sequence change replaces glutamic acid, which is acidic and polar, with alanine, which is neutral and non-polar, at codon 1106 of the HPS5 protein (p.Glu1106Ala). This variant is present in population databases (rs778777981, gnomAD 0.007%). This variant has not been reported in the literature in individuals affected with HPS5-related conditions. Algorithms developed to predict the effect of missense changes on protein structure and function are either unavailable or do not agree on the potential impact of this missense change (SIFT: "Deleterious"; PolyPhen-2: "Probably Damaging"; Align-GVGD: "Class C0"). In summary, the available evidence is currently insufficient to determine the role of this variant in disease. Therefore, it has been classified as a Variant of Uncertain Significance.